The following is an entry in ClinVar:

NM_006940.6(SOX5):c.585A>C (p.Leu195Phe)

Gene: SOX5 (SRY-box transcription factor 5; minus strand). Cytogenetic location: 12p12.1.
Variant type: single nucleotide variant.
Coding change: c.585A>C on transcript NM_006940.6 (MANE Select); coding-DNA position 585, A replaced by C.
Protein change: p.Leu195Phe; replaces leucine 195 with phenylalanine.
Molecular consequence: missense variant.
Genome position (GRCh38, 1-based): chr12:23,741,023, T>G on the plus strand (A>C on the coding strand, the complement: SOX5 is on the minus strand). VCF-style: chr12-23741023-T-G. GRCh37 (hg19) VCF-style: chr12-23893957-T-G.
Other names: c.546A>C, p.Leu182Phe (NM_001261414.3, NM_152989.5); c.555A>C, p.Leu185Phe (NM_001261415.3); c.480A>C, p.Leu160Phe (NM_001330785.2); short protein forms L160F, L182F, L185F, L195F.
Identifiers: ClinVar variation 3769875 (VCV003769875.1).

ClinVar aggregate classification (germline): Uncertain significance (1 of 4 stars; one submission).

Submission:

GeneDx
Classification: Uncertain significance. Last evaluated: 2024-09-06. Review status: criteria provided, single submitter. Criteria: GeneDx Variant Classification Process June 2021. Collection method: clinical testing. Allele origin: germline. Affected: yes.
Comment: Not observed at significant frequency in large population cohorts (gnomAD); In silico analysis supports that this missense variant has a deleterious effect on protein structure/function; Has not been previously published as pathogenic or benign to our knowledge